The following is an entry in ClinVar:

ClinVar aggregate classification (germline): Likely benign. Review status: criteria provided, single submitter (1 of 4 stars). 2 submissions from 2 submitters: Likely benign (1). 1 of the submissions does not count toward it. Last evaluated 2023-08-04.

Conditions:
MARS2-related disorder. Also called: MARS2-related condition.

Submissions (2):

Labcorp Genetics (formerly Invitae), Labcorp
Classification: Likely benign. Last evaluated: 2023-08-04. Review status: criteria provided, single submitter. Criteria: Invitae Variant Classification Sherloc (09022015). Collection method: clinical testing. Allele origin: germline.

PreventionGenetics, part of Exact Sciences
Classification: Likely benign for MARS2-related condition. Last evaluated: 2020-03-23. Review status: no assertion criteria provided. Collection method: clinical testing. Allele origin: germline. Not counted in ClinVar's aggregate classification.
Comment: This variant is classified as likely benign based on ACMG/AMP sequence variant interpretation guidelines (Richards et al. 2015 PMID: 25741868, with internal and published modifications).

NM_138395.4(MARS2):c.757C>T (p.Leu253=)

Gene: MARS2 (methionyl-tRNA synthetase 2, mitochondrial; plus strand). Cytogenetic location: 2q33.1.
Variant type: single nucleotide variant.
Coding change: c.757C>T on transcript NM_138395.4 (MANE Select); coding-DNA position 757, C replaced by T.
Protein change: p.Leu253=; no amino-acid change (leucine 253 retained).
Molecular consequence: synonymous variant.
Genome position (GRCh38, 1-based): chr2:197,706,162, C>T. VCF-style: chr2-197706162-C-T. GRCh37 (hg19) VCF-style: chr2-198570886-C-T.
Other names: c.757C>T (NM_138395.3).
Identifiers: ClinVar variation 1629174 (VCV001629174.10), dbSNP rs767184714, ClinGen allele CA2044634.